The following is an entry in ClinVar:

ClinVar aggregate classification (germline): Uncertain significance (1 of 4 stars; one submission).

Submission:

Ambry Genetics
Classification: Uncertain significance. Last evaluated: 2024-09-21. Review status: criteria provided, single submitter. Criteria: Ambry Variant Classification Scheme 2023. Collection method: clinical testing. Allele origin: germline.
Comment: The p.A467P variant (also known as c.1399G>C), located in coding exon 6 of the PALLD gene, results from a G to C substitution at nucleotide position 1399. The alanine at codon 467 is replaced by proline, an amino acid with highly similar properties. This amino acid position is conserved. In addition, this alteration is predicted to be tolerated by in silico analysis. Based on the available evidence, the clinical significance of this variant remains unclear.

NM_001166108.2(PALLD):c.1399G>C (p.Ala467Pro)

Gene: PALLD (palladin, cytoskeletal associated protein; plus strand). Cytogenetic location: 4q32.3.
Variant type: single nucleotide variant.
Coding change: c.1399G>C on transcript NM_001166108.2 (MANE Select); coding-DNA position 1399, G replaced by C.
Protein change: p.Ala467Pro; replaces alanine 467 with proline.
Molecular consequence: missense variant.
Genome position (GRCh38, 1-based): chr4:168,690,666, G>C. VCF-style: chr4-168690666-G-C. GRCh37 (hg19) VCF-style: chr4-169611817-G-C.
Other names: c.253G>C, p.Ala85Pro (NM_001166109.2); c.1399G>C, p.Ala467Pro (NM_016081.4); short protein forms A85P, A467P.
Identifiers: ClinVar variation 3413535 (VCV003413535.1).